The following is an entry in ClinVar:

ClinVar aggregate classification (germline): Pathogenic (1 of 4 stars; one submission).

Conditions:
CHARGE syndrome (CHARGE). Also called: Hittner Hirsch Kreh syndrome; Coloboma, heart anomaly, choanal atresia, retardation, genital and ear anomalies; CHARGE association; Hall-Hittner syndrome; CHARGE ASSOCIATION--COLOBOMA, HEART ANOMALY, CHOANAL ATRESIA, RETARDATION, GENITAL AND EAR ANOMALIES. Identifiers: Orphanet 138, MedGen C0265354, MONDO:0008965.

Submission:

Centre for Mendelian Genomics, University Medical Centre Ljubljana
Classification: Pathogenic for CHD7-related CHARGE syndrome. Last evaluated: 2019-09-09. Review status: criteria provided, single submitter. Criteria: ACMG Guidelines, 2015. Collection method: clinical testing. Allele origin: unknown. Affected: yes.
Comment: This variant was classified as: Pathogenic. The following ACMG criteria were applied in classifying this variant: PVS1,PM2,PP5.

NM_017780.4(CHD7):c.4203_4204del (p.His1401fs)

Gene: CHD7 (chromodomain helicase DNA binding protein 7; plus strand). Cytogenetic location: 8q12.2.
Variant type: Deletion.
Coding change: c.4203_4204del on transcript NM_017780.4 (MANE Select); coding-DNA positions 4203 to 4204, 2 bases deleted (TA; older notation c.4203_4204delTA).
Protein change: p.His1401fs; shifts the reading frame from histidine 1401.
Molecular consequence: frameshift variant. On other transcripts: intron variant (1).
Genome position (GRCh38, 1-based): chr8:60,837,685-60,837,686, TA deleted; deleting any 2 consecutive bases within chr8:60,837,684-60,837,686 gives the same sequence; the c. name uses the placement nearest the transcript's 3' end. VCF-style (leftmost placement, unchanged base first): chr8-60837683-CAT-C. GRCh37 (hg19) VCF-style: chr8-61750242-CAT-C.
Other names: c.1717-24544_1717-24543del (NM_001316690.1); short protein forms H1401fs.
Identifiers: ClinVar variation 931236 (VCV000931236.3), dbSNP rs1804800490, ClinGen allele CA1139660557.
Genomic context (GRCh38, chr8:60,837,683, plus strand): 5'-ACATTAGGTTCATTGCAGTAACTATTAATTTCATTTTTCTTCCAGGCTCAGGCTAGATGT[CAT>C]AGAATAGGACAGAGCAAATCTGTGAAAATCTACAGGCTGATTACAAGAAATTCCTATGAA-3'